The following is an entry in ClinVar:

NM_000186.4(CFH):c.35T>C (p.Leu12Ser)

Gene: CFH (complement factor H; plus strand). Cytogenetic location: 1q31.3.
Variant type: single nucleotide variant.
Coding change: c.35T>C on transcript NM_000186.4 (MANE Select); coding-DNA position 35, T replaced by C.
Protein change: p.Leu12Ser; replaces leucine 12 with serine.
Molecular consequence: missense variant.
Genome position (GRCh38, 1-based): chr1:196,652,152, T>C. VCF-style: chr1-196652152-T-C. GRCh37 (hg19) VCF-style: chr1-196621282-T-C.
Other names: c.35T>C, p.Leu12Ser (NM_001014975.3); short protein forms L12S.
Identifiers: ClinVar variation 2637684 (VCV002637684.1), dbSNP rs2529283817, ClinGen allele CA343988922.

ClinVar aggregate classification (germline): Uncertain significance (1 of 4 stars; one submission).

Allele frequency attached by ClinVar (database versions not stated): gnomAD exomes below 0.00001.
gnomAD v4.1: 2 of 1,612,164 alleles (0.00012%); highest among the groups gnomAD compares: Non-Finnish European, 0.00017%; no homozygotes.

Submission:

Women's Health and Genetics/Laboratory Corporation of America, LabCorp
Classification: Uncertain significance. Last evaluated: 2023-10-12. Review status: criteria provided, single submitter. Criteria: LabCorp Variant Classification Summary - May 2015. Collection method: clinical testing. Allele origin: germline.
Comment: Variant summary: CFH c.35T>C (p.Leu12Ser) results in a non-conservative amino acid change in the encoded protein sequence. Three of five in-silico tools predict a benign effect of the variant on protein function. The variant was absent in 251138 control chromosomes. The available data on variant occurrences in the general population are insufficient to allow any conclusion about variant significance. To our knowledge, no occurrence of c.35T>C in individuals affected with CFH-Related Disorders and no experimental evidence demonstrating its impact on protein function have been reported. No submitters have cited clinical-significance assessments for this variant to ClinVar after 2014. Based on the evidence outlined above, the variant was classified as uncertain significance.